The following is an entry in ClinVar:

NM_012281.3(KCND2):c.1493T>A (p.Val498Asp)

Gene: KCND2 (potassium voltage-gated channel subfamily D member 2; plus strand). Cytogenetic location: 7q31.31.
Variant type: single nucleotide variant.
Coding change: c.1493T>A on transcript NM_012281.3 (MANE Select); coding-DNA position 1493, T replaced by A.
Protein change: p.Val498Asp; replaces valine 498 with aspartic acid.
Molecular consequence: missense variant.
Genome position (GRCh38, 1-based): chr7:120,745,805, T>A. VCF-style: chr7-120745805-T-A. GRCh37 (hg19) VCF-style: chr7-120385859-T-A.
Other names: short protein forms V498D.
Identifiers: ClinVar variation 2041754 (VCV002041754.4), dbSNP rs1792998433, ClinGen allele CA369135353.

ClinVar aggregate classification (germline): Uncertain significance (1 of 4 stars; one submission).

Conditions:
Early Myoclonic Encephalopathy. Identifiers: MedGen C0270855.

gnomAD v4.1: 2 of 1,613,776 alleles (0.00012%); highest among the groups gnomAD compares: Non-Finnish European, 0.00017%; no homozygotes.

Submission:

Labcorp Genetics (formerly Invitae), Labcorp
Classification: Uncertain significance for Early Myoclonic Encephalopathy. Last evaluated: 2021-12-13. Review status: criteria provided, single submitter. Criteria: Invitae Variant Classification Sherloc (09022015). Collection method: clinical testing. Allele origin: germline.
Comment: In summary, the available evidence is currently insufficient to determine the role of this variant in disease. Therefore, it has been classified as a Variant of Uncertain Significance. Advanced modeling of protein sequence and biophysical properties (such as structural, functional, and spatial information, amino acid conservation, physicochemical variation, residue mobility, and thermodynamic stability) performed at Invitae indicates that this missense variant is not expected to disrupt KCND2 protein function. This variant has not been reported in the literature in individuals affected with KCND2-related conditions. This variant is not present in population databases (gnomAD no frequency). This sequence change replaces valine, which is neutral and non-polar, with aspartic acid, which is acidic and polar, at codon 498 of the KCND2 protein (p.Val498Asp).